The following is an entry in ClinVar:

NM_005159.5(ACTC1):c.454G>A (p.Gly152Ser)

Genes: GJD2-DT (GJD2 divergent transcript; plus strand), ACTC1 (actin alpha cardiac muscle 1; minus strand). Cytogenetic location: 15q14.
Variant type: single nucleotide variant.
Coding change: c.454G>A on transcript NM_005159.5 (MANE Select); coding-DNA position 454, G replaced by A.
Protein change: p.Gly152Ser; replaces glycine 152 with serine.
Molecular consequence: missense variant.
Genome position (GRCh38, 1-based): chr15:34,793,245, C>T on the plus strand (G>A on the coding strand, the complement: ACTC1 is on the minus strand). VCF-style: chr15-34793245-C-T. GRCh37 (hg19) VCF-style: chr15-35085446-C-T.
Other names: c.454G>A (LRG_388t1); short protein forms G152S.
Identifiers: ClinVar variation 538811 (VCV000538811.7), dbSNP rs1247069535, ClinGen allele CA391631202.
Genomic context (GRCh38, chr15:34,793,245, plus strand): 5'-AGCAAGGTCGGTGACTTGGGAATGTGATTCATCAGTAACTGTCCCCAGAGCCCAGCATAC[C>T]TGTGGTACGGCCAGAAGCATACAGGGATAGCACTGCCTGGATGGCCACGTACATGGCAGG-3'
Protein context (NP_005150.1, residues 142-162): LSLYASGRTT[Gly152Ser]IVLDSGDGVT

ClinVar aggregate classification (germline): Uncertain significance. Review status: criteria provided, multiple submitters, no conflicts (2 of 4 stars). 2 submissions from 2 submitters: Uncertain significance (2). Last evaluated 2025-07-22.

Conditions:
Atrial septal defect 5 (ASD5). Identifiers: Orphanet 1478, MedGen C2748552, MONDO:0013011, OMIM 612794.
Dilated cardiomyopathy 1R (CMD1R). Identifiers: Orphanet 154, Orphanet 54260, MedGen C3150681, MONDO:0013261, OMIM 613424.
Hypertrophic cardiomyopathy 11. Also called: ACTC1-Related Familial Hypertrophic Cardiomyopathy. Identifiers: MedGen C2677506, MONDO:0012799, OMIM 612098.

Allele frequency attached by ClinVar (database versions not stated): gnomAD exomes below 0.00001.
gnomAD v4.1: 1 of 1,614,056 alleles (0.000062%); highest among the groups gnomAD compares: South Asian, 0.0011%; no homozygotes.

Submissions (2):

GeneDx
Classification: Uncertain significance. Last evaluated: 2025-07-22. Review status: criteria provided, single submitter. Criteria: GeneDx Variant Classification Process June 2021. Collection method: clinical testing. Allele origin: germline. Affected: yes.
Comment: Not observed at significant frequency in large population cohorts (gnomAD); In silico analysis supports that this missense variant has a deleterious effect on protein structure/function; In silico analysis supports a deleterious effect on splicing; Has not been previously published as pathogenic or benign to our knowledge

Labcorp Genetics (formerly Invitae), Labcorp
Classification: Uncertain significance for Dilated cardiomyopathy 1R; Hypertrophic cardiomyopathy 11; Atrial septal defect 5. Last evaluated: 2021-09-01. Review status: criteria provided, single submitter. Criteria: Invitae Variant Classification Sherloc (09022015). Collection method: clinical testing. Allele origin: germline.
Comment: This sequence change replaces glycine with serine at codon 152 of the ACTC1 protein (p.Gly152Ser). The glycine residue is highly conserved and there is a small physicochemical difference between glycine and serine. This variant also falls at the last nucleotide of exon 3, which is part of the consensus splice site for this exon. This variant is not present in population databases (ExAC no frequency). This variant has not been reported in the literature in individuals affected with ACTC1-related conditions. Algorithms developed to predict the effect of missense changes on protein structure and function (SIFT, PolyPhen-2, Align-GVGD) all suggest that this variant is likely to be disruptive. Variants that disrupt the consensus splice site are a relatively common cause of aberrant splicing (PMID: 17576681, 9536098). Algorithms developed to predict the effect of sequence changes on RNA splicing suggest that this variant may disrupt the consensus splice site. In summary, the available evidence is currently insufficient to determine the role of this variant in disease. Therefore, it has been classified as a Variant of Uncertain Significance.

Literature cited by the submitters: PubMed 17576681 (cited by Labcorp Genetics (formerly Invitae), Labcorp); PubMed 9536098 (cited by Labcorp Genetics (formerly Invitae), Labcorp).